The following is an entry in ClinVar:

NC_000015.9:g.(?_43891870)_(43897597_?)dup

Gene: STRC (stereocilin; minus strand). Cytogenetic location: 15q15.3.
Variant type: Duplication.
Identifiers: ClinVar variation 229273 (VCV000229273.5).

ClinVar aggregate classification (germline): Uncertain significance (1 of 4 stars; one submission).

Submission:

Laboratory for Molecular Medicine, Mass General Brigham Personalized Medicine
Classification: Uncertain significance. Last evaluated: 2015-05-22. Review status: criteria provided, single submitter. Criteria: LMM Criteria. Collection method: clinical testing. Allele origin: germline. Observed: 1 variant allele.
Comment: The exon 19-29 duplication in STRC has not been previously reported in individua ls with hearing loss and data from population studies is insufficient to assess the frequency of this variant in the general population. The exact breakpoints a nd genomic location of the duplicated exons could not be determined due to limit ations of the testing methodology. Therefore, the impact of the duplication on t he gene and the expressed protein is not clear. In summary, the clinical signifi cance of the exon 19-29 duplication in STRC is uncertain.